The following is an entry in ClinVar:

NM_001375524.1(TRRAP):c.7478T>C (p.Met2493Thr)

Gene: TRRAP (transformation/transcription domain associated protein; plus strand). Cytogenetic location: 7q22.1.
Variant type: single nucleotide variant.
Coding change: c.7478T>C on transcript NM_001375524.1 (MANE Select); coding-DNA position 7478, T replaced by C.
Protein change: p.Met2493Thr; replaces methionine 2493 with threonine.
Molecular consequence: missense variant.
Genome position (GRCh38, 1-based): chr7:98,967,664, T>C. VCF-style: chr7-98967664-T-C. GRCh37 (hg19) VCF-style: chr7-98565287-T-C.
Other names: c.7457T>C, p.Met2486Thr (NM_001244580.2); c.7403T>C, p.Met2468Thr (NM_003496.4); short protein forms M2486T, M2468T, M2493T.
Identifiers: ClinVar variation 2894315 (VCV002894315.4), dbSNP rs1326841466, ClinGen allele CA368293524.

ClinVar aggregate classification (germline): Uncertain significance. Review status: criteria provided, multiple submitters, no conflicts (2 of 4 stars). 2 submissions from 2 submitters: Uncertain significance (2). Last evaluated 2023-10-22.

Allele frequency attached by ClinVar (database versions not stated): gnomAD exomes below 0.00001.
gnomAD v4.1: 2 of 1,613,974 alleles (0.00012%); highest among the groups gnomAD compares: Middle Eastern, 0.016%; no homozygotes.

Submissions (2):

Labcorp Genetics (formerly Invitae), Labcorp
Classification: Uncertain significance. Last evaluated: 2023-10-22. Review status: criteria provided, single submitter. Criteria: Invitae Variant Classification Sherloc (09022015). Collection method: clinical testing. Allele origin: germline.
Comment: This sequence change replaces methionine, which is neutral and non-polar, with threonine, which is neutral and polar, at codon 2468 of the TRRAP protein (p.Met2468Thr). This variant is present in population databases (no rsID available, gnomAD 0.0009%). This variant has not been reported in the literature in individuals affected with TRRAP-related conditions. Advanced modeling of protein sequence and biophysical properties (such as structural, functional, and spatial information, amino acid conservation, physicochemical variation, residue mobility, and thermodynamic stability) performed at Invitae indicates that this missense variant is expected to disrupt TRRAP protein function. In summary, the available evidence is currently insufficient to determine the role of this variant in disease. Therefore, it has been classified as a Variant of Uncertain Significance.

Blueprint Genetics
Classification: Uncertain significance. Last evaluated: 2022-02-03. Review status: criteria provided, single submitter. Criteria: ACMG Guidelines, 2015. Collection method: clinical testing. Allele origin: germline.